The following is an entry in ClinVar:

ClinVar aggregate classification (germline): Uncertain significance (1 of 4 stars; one submission).

Conditions:
Gorlin syndrome. Also called: Nevoid Basal Cell Carcinoma Syndrome; Basal cell nevus syndrome. Identifiers: Orphanet 377, MedGen C0004779, MONDO:0007187.

Submission:

Labcorp Genetics (formerly Invitae), Labcorp
Classification: Uncertain significance for Gorlin syndrome. Last evaluated: 2020-01-22. Review status: criteria provided, single submitter. Criteria: Invitae Variant Classification Sherloc (09022015). Collection method: clinical testing. Allele origin: germline.
Comment: In summary, the available evidence is currently insufficient to determine the role of this variant in disease. Therefore, it has been classified as a Variant of Uncertain Significance. Algorithms developed to predict the effect of missense changes on protein structure and function (SIFT, PolyPhen-2, Align-GVGD) all suggest that this variant is likely to be tolerated, but these predictions have not been confirmed by published functional studies and their clinical significance is uncertain. This variant has not been reported in the literature in individuals with PTCH1-related conditions. This variant is not present in population databases (ExAC no frequency). This sequence change replaces leucine with isoleucine at codon 1397 of the PTCH1 protein (p.Leu1397Ile). The leucine residue is weakly conserved and there is a small physicochemical difference between leucine and isoleucine.

NM_000264.5(PTCH1):c.4189C>A (p.Leu1397Ile)

Gene: PTCH1 (patched 1; minus strand). Cytogenetic location: 9q22.32.
Variant type: single nucleotide variant.
Coding change: c.4189C>A on transcript NM_000264.5 (MANE Select); coding-DNA position 4189, C replaced by A.
Protein change: p.Leu1397Ile; replaces leucine 1397 with isoleucine.
Molecular consequence: missense variant. On other transcripts: non-coding transcript variant (1).
Genome position (GRCh38, 1-based): chr9:95,447,067, G>T on the plus strand (C>A on the coding strand, the complement: PTCH1 is on the minus strand). VCF-style: chr9-95447067-G-T. GRCh37 (hg19) VCF-style: chr9-98209349-G-T.
Other names: c.3736C>A, p.Leu1246Ile (NM_001083604.3, NM_001083605.3, NM_001083606.3 and 1 more transcripts); c.4033C>A, p.Leu1345Ile (NM_001354918.2); c.3991C>A, p.Leu1331Ile (NM_001083602.3); c.4186C>A, p.Leu1396Ile (NM_001083603.3); short protein forms L1331I, L1396I, L1246I, L1345I, L1397I.
Identifiers: ClinVar variation 1046887 (VCV001046887.12), dbSNP rs1837978959, ClinGen allele CA374110156.
Genomic context (GRCh38, chr9:95,447,067, plus strand): 5'-GGAAAGGCACGTGGGGGTCCTCAAACAGGCCGTGGTCAGTCTCAGGGTAGCCTGGGCAGA[G>T]TCCCCCTCGGGGGTTCCGCCCAGGCCCAGGGACAGGCGGCGGGTGCACGGCGACAGTCAC-3'
Protein context (NP_000255.2, residues 1387-1407): PGPGRNPRGG[Leu1397Ile]CPGYPETDHG